The following is an entry in ClinVar:

NM_000031.6(ALAD):c.715G>A (p.Asp239Asn)

Gene: ALAD (aminolevulinate dehydratase; minus strand). Cytogenetic location: 9q32.
Variant type: single nucleotide variant.
Coding change: c.715G>A on transcript NM_000031.6 (MANE Select); coding-DNA position 715, G replaced by A.
Protein change: p.Asp239Asn; replaces aspartic acid 239 with asparagine.
Molecular consequence: missense variant.
Genome position (GRCh38, 1-based): chr9:113,389,524, C>T on the plus strand (G>A on the coding strand, the complement: ALAD is on the minus strand). VCF-style: chr9-113389524-C-T. GRCh37 (hg19) VCF-style: chr9-116151804-C-T.
Other names: c.802G>A, p.Asp268Asn (NM_001003945.3); c.691G>A, p.Asp231Asn (NM_001317745.2); short protein forms D231N, D268N, D239N.
Identifiers: ClinVar variation 646872 (VCV000646872.12), dbSNP rs752186527, ClinGen allele CA5196378.
Genomic context (GRCh38, chr9:113,389,524, plus strand): 5'-CCAGGTAGGGCATTCCCGGCTTCACCATGAGCATGTCAGCTCCTTCCCGTACATCCCGGT[C>T]CTAAGGGATGAGGGTATAATGTGGGTGGTGCCTAGGAGGGGGCTGAGGGTGGGGCTCAAG-3'
Protein context (NP_000022.3, residues 229-249): GARGLALRAV[Asp239Asn]RDVREGADML

ClinVar aggregate classification (germline): Uncertain significance. Review status: criteria provided, multiple submitters, no conflicts (2 of 4 stars). 4 submissions from 4 submitters: Uncertain significance (4). Last evaluated 2025-03-31.

Conditions:
Inborn genetic diseases. Identifiers: MedGen C0950123, MeSH D030342.
Porphobilinogen synthase deficiency. Also called: Porphyria due to ALA dehydratase deficiency; ALAD DEFICIENCY; DELTA-AMINOLEVULINATE DEHYDRATASE DEFICIENCY; DOSS PORPHYRIA; PORPHYRIA, ALAD. Identifiers: Orphanet 100924, MedGen C0268328, MONDO:0013000, OMIM 612740.
ALAD-related disorder. Also called: ALAD-related condition.

Allele frequency attached by ClinVar (database versions not stated): gnomAD 0.00002; TOPMed 0.00004; gnomAD exomes 0.00005 and 0.00006; ExAC 0.00007.
gnomAD v4.1: 93 of 1,614,010 alleles (0.0058%); highest among the groups gnomAD compares: Non-Finnish European, 0.0075%; no homozygotes.

Submissions (4):

Labcorp Genetics (formerly Invitae), Labcorp
Classification: Uncertain significance. Last evaluated: 2025-03-31. Review status: criteria provided, single submitter. Criteria: Invitae Variant Classification Sherloc (09022015). Collection method: clinical testing. Allele origin: germline.
Comment: This sequence change replaces aspartic acid, which is acidic and polar, with asparagine, which is neutral and polar, at codon 239 of the ALAD protein (p.Asp239Asn). This variant is present in population databases (rs752186527, gnomAD 0.01%). This variant has not been reported in the literature in individuals affected with ALAD-related conditions. ClinVar contains an entry for this variant (Variation ID: 646872). An algorithm developed to predict the effect of missense changes on protein structure and function (PolyPhen-2) suggests that this variant is likely to be tolerated. In summary, the available evidence is currently insufficient to determine the role of this variant in disease. Therefore, it has been classified as a Variant of Uncertain Significance.

PreventionGenetics, part of Exact Sciences
Classification: Uncertain significance for ALAD-related condition. Last evaluated: 2025-02-07. Review status: criteria provided, single submitter. Criteria: ACMG Guidelines, 2015. Collection method: clinical testing. Allele origin: germline.
Comment: The ALAD c.715G>A variant is predicted to result in the amino acid substitution p.Asp239Asn. To our knowledge, this variant has not been reported in the literature. This variant is reported in 0.011% of alleles in individuals of European (Non-Finnish) descent in gnomAD. At this time, the clinical significance of this variant is uncertain due to the absence of conclusive functional and genetic evidence.

Ambry Genetics
Classification: Uncertain significance for Inborn genetic diseases. Last evaluated: 2025-02-01. Review status: criteria provided, single submitter. Criteria: Ambry Variant Classification Scheme 2023. Collection method: clinical testing. Allele origin: germline.

Illumina Laboratory Services, Illumina
Classification: Uncertain significance for Porphobilinogen synthase deficiency. Last evaluated: 2018-01-12. Review status: criteria provided, single submitter. Criteria: ICSL Variant Classification Criteria 13 December 2019. Collection method: clinical testing. Allele origin: germline.